The following is an entry in ClinVar:

ClinVar aggregate classification (germline): Uncertain significance (1 of 4 stars; one submission).

Conditions:
Inborn genetic diseases. Identifiers: MedGen C0950123, MeSH D030342.

Submission:

Ambry Genetics
Classification: Uncertain significance for Inborn genetic diseases. Last evaluated: 2026-07-06. Review status: criteria provided, single submitter. Criteria: Ambry Variant Classification Scheme 2023. Collection method: clinical testing. Allele origin: germline.
Comment: The p.Q1040R variant (also known as c.3119A>G), located in coding exon 24 of the RYR1 gene, results from an A to G substitution at nucleotide position 3119. The glutamine at codon 1040 is replaced by arginine, an amino acid with highly similar properties. This amino acid position is conserved. In addition, the in silico prediction for this alteration is inconclusive. Based on the available evidence, the clinical significance of this variant remains unclear.

NM_000540.3(RYR1):c.3119A>G (p.Gln1040Arg)

Gene: RYR1 (ryanodine receptor 1; plus strand). Cytogenetic location: 19q13.2.
Variant type: single nucleotide variant.
Coding change: c.3119A>G on transcript NM_000540.3 (MANE Select); coding-DNA position 3119, A replaced by G.
Protein change: p.Gln1040Arg; replaces glutamine 1040 with arginine.
Molecular consequence: missense variant.
Genome position (GRCh38, 1-based): chr19:38,466,339, A>G. VCF-style: chr19-38466339-A-G. GRCh37 (hg19) VCF-style: chr19-38956979-A-G.
Other names: c.3119A>G, p.Gln1040Arg (NM_001042723.2); short protein forms Q1040R.
Identifiers: ClinVar variation 5028630 (VCV005028630.1).
Genomic context (GRCh38, chr19:38,466,339, plus strand): 5'-TGGTGCCCTACCGCCTGCTGGATGAAGCCACCAAGCGCAGCAACCGGGACAGCCTCTGCC[A>G]GGCCGTGCGCACCCTCCTGGGCTACGGCTACAACATCGAGCCTCCTGACCAGGAGCCCAG-3'
Protein context (NP_000531.2, residues 1030-1050): TKRSNRDSLC[Gln1040Arg]AVRTLLGYGY